The following is an entry in ClinVar:

NM_000059.4(BRCA2):c.1018G>T (p.Glu340Ter)

Gene: BRCA2 (BRCA2 DNA repair associated; plus strand). Cytogenetic location: 13q13.1.
Variant type: single nucleotide variant.
Coding change: c.1018G>T on transcript NM_000059.4 (MANE Select); coding-DNA position 1018, G replaced by T.
Protein change: p.Glu340Ter; replaces glutamic acid 340 with a stop codon.
Molecular consequence: nonsense.
Genome position (GRCh38, 1-based): chr13:32,332,496, G>T. VCF-style: chr13-32332496-G-T. GRCh37 (hg19) VCF-style: chr13-32906633-G-T.
Other names: short protein forms E340*.
Identifiers: ClinVar variation 1076102 (VCV001076102.7), dbSNP rs2137466889, ClinGen allele CA387761113.

ClinVar aggregate classification (germline): Pathogenic (1 of 4 stars; one submission).

Conditions:
Hereditary breast ovarian cancer syndrome. Also called: Hereditary breast and ovarian cancer; Breast and ovarian cancer; BRCA1- and BRCA2-Associated Hereditary Breast and Ovarian Cancer; Hereditary breast and/or ovarian cancer syndrome; Hereditary breast and ovarian cancer syndrome; Hereditary breast and ovarian cancer syndrome (HBOC). Identifiers: Orphanet 145, MedGen C0677776, MeSH D061325, MONDO:0003582. Disease mechanism: loss of function.

Submission:

Labcorp Genetics (formerly Invitae), Labcorp
Classification: Pathogenic for Hereditary breast ovarian cancer syndrome. Last evaluated: 2020-04-13. Review status: criteria provided, single submitter. Criteria: Invitae Variant Classification Sherloc (09022015). Collection method: clinical testing. Allele origin: germline.
Comment: For these reasons, this variant has been classified as Pathogenic. Loss-of-function variants in BRCA2 are known to be pathogenic (PMID: 20104584). This variant has not been reported in the literature in individuals with BRCA2-related conditions. This variant is not present in population databases (ExAC no frequency). This sequence change creates a premature translational stop signal (p.Glu340*) in the BRCA2 gene. It is expected to result in an absent or disrupted protein product.

Literature cited by the submitters: PubMed 20104584.